The following is an entry in ClinVar:

NM_000257.4(MYH7):c.1334C>T (p.Ala445Val)

Gene: MYH7 (myosin heavy chain 7; minus strand). Cytogenetic location: 14q11.2.
Variant type: single nucleotide variant.
Coding change: c.1334C>T on transcript NM_000257.4 (MANE Select); coding-DNA position 1334, C replaced by T.
Protein change: p.Ala445Val; replaces alanine 445 with valine.
Molecular consequence: missense variant.
Genome position (GRCh38, 1-based): chr14:23,429,028, G>A on the plus strand (C>T on the coding strand, the complement: MYH7 is on the minus strand). VCF-style: chr14-23429028-G-A. GRCh37 (hg19) VCF-style: chr14-23898237-G-A.
Other names: c.1334C>T (LRG_384t1); short protein forms A445V.
Identifiers: ClinVar variation 264593 (VCV000264593.32), dbSNP rs752349938, ClinGen allele CA028217.

ClinVar aggregate classification (germline): Uncertain significance. Review status: criteria provided, multiple submitters, no conflicts (2 of 4 stars). 13 submissions from 10 submitters: Uncertain significance (13). Last evaluated 2025-09-08.

Conditions:
MYH7-related disorder. Also called: MYH7-related disorders; MYH7-related condition; MYH7-related disease.
Congenital myopathy with fiber type disproportion. Also called: Congenital fiber-type disproportion; Congenital fiber-type disproportion myopathy. Identifiers: Orphanet 2020, MedGen C0546264, MONDO:0009711. Inheritance: all.
Dilated cardiomyopathy 1S (CMD1S). Identifiers: Orphanet 154, Orphanet 54260, MedGen C1834481, MONDO:0013262, OMIM 613426.
Myosin storage myopathy (CMYO7A). Also called: MYOPATHY, HYALINE BODY, AUTOSOMAL DOMINANT; MYOPATHY WITH LYSIS OF TYPE I MYOFIBRILS; Scapuloperoneal myopathy, MYH7-related; SCAPULOPERONEAL MUSCULAR DYSTROPHY; SCAPULOPERONEAL SYNDROME, MYOPATHIC TYPE; MYH7-related late-onset scapuloperoneal muscular dystrophy. Identifiers: Orphanet 437572, Orphanet 636965, MedGen C1842160, MONDO:0008409, OMIM 608358.
Hypertrophic cardiomyopathy 1 (CMH1). Also called: MYH7-Related Familial Hypertrophic Cardiomyopathy; Familial hypertrophic cardiomyopathy 1. Identifiers: MedGen C3495498, MONDO:0008647, OMIM 192600.
Myopathy, myosin storage, autosomal recessive (CMYO7B). Also called: CONGENITAL MYOPATHY 7B, MYOSIN STORAGE, AUTOSOMAL RECESSIVE. Identifiers: Orphanet 636970, MedGen C1850709, MONDO:0009708, OMIM 255160.
MYH7-related skeletal myopathy. Also called: MYOPATHY, DISTAL, EARLY-ONSET, AUTOSOMAL DOMINANT; MYOPATHY, LATE DISTAL HEREDITARY; Laing distal myopathy; Myopathy, distal, 1; Laing early-onset distal myopathy. Identifiers: Orphanet 59135, MedGen C4552004, MONDO:0008050, OMIM 160500.
Cardiovascular phenotype. Identifiers: MedGen CN230736.
Cardiomyopathy (CMYO). Also called: Cardiomyopathies. Identifiers: Orphanet 167848, MedGen C0878544, MONDO:0004994, HP:0001638. Inheritance: Various modes of inheritance.
Hypertrophic cardiomyopathy. Also called: HYPERTROPHIC MYOCARDIOPATHY. Identifiers: Orphanet 217569, MedGen C0007194, MeSH D002312, MONDO:0005045, HP:0001639.

Allele frequency attached by ClinVar (database versions not stated): ExAC 0.00002; gnomAD 0.00002; TOPMed 0.00003; gnomAD exomes 0.00004.
gnomAD v4.1: 57 of 1,614,086 alleles (0.0035%); highest among the groups gnomAD compares: Middle Eastern, 0.016%; no homozygotes.

Submissions (13):

Ambry Genetics
Classification: Uncertain significance for Cardiovascular phenotype. Last evaluated: 2025-09-08. Review status: criteria provided, single submitter. Criteria: Ambry Variant Classification Scheme 2023. Collection method: clinical testing. Allele origin: germline.
Comment: The p.A445V variant (also known as c.1334C>T), located in coding exon 12 of the MYH7 gene, results from a C to T substitution at nucleotide position 1334. The alanine at codon 445 is replaced by valine, an amino acid with similar properties. This alteration is located in the myosin head domain, which contains a statistically significant clustering of pathogenic missense variants (Homburger JR et al. Proc Natl Acad Sci U S A, 2016 06;113:6701-6; Walsh R et al. Genet Med, 2017 02;19:192-203; Ambry internal data). This variant was reported in individual(s) with features consistent with hypertrophic cardiomyopathy (HCM) (Ambry internal data). This amino acid position is not well conserved in available vertebrate species. In addition, this alteration is predicted to be tolerated by in silico analysis. Since supporting evidence is limited at this time, the clinical significance of this variant remains unclear.

PreventionGenetics, part of Exact Sciences
Classification: Uncertain significance for MYH7-related condition. Last evaluated: 2025-08-07. Review status: criteria provided, single submitter. Criteria: ACMG Guidelines, 2015. Collection method: clinical testing. Allele origin: germline.
Comment: The MYH7 c.1334C>T variant is predicted to result in the amino acid substitution p.Ala445Val. To our knowledge, this variant has not been reported in the literature. This variant is reported in 0.0079% of alleles in individuals of European (non-Finnish) descent in gnomAD. At this time, the clinical significance of this variant is uncertain due to the absence of conclusive functional and genetic evidence.

Labcorp Genetics (formerly Invitae), Labcorp
Classification: Uncertain significance for Hypertrophic cardiomyopathy. Last evaluated: 2025-07-19. Review status: criteria provided, single submitter. Criteria: Invitae Variant Classification Sherloc (09022015). Collection method: clinical testing. Allele origin: germline.
Comment: This sequence change replaces alanine, which is neutral and non-polar, with valine, which is neutral and non-polar, at codon 445 of the MYH7 protein (p.Ala445Val). This variant is present in population databases (rs752349938, gnomAD 0.008%). This variant has not been reported in the literature in individuals affected with MYH7-related conditions. ClinVar contains an entry for this variant (Variation ID: 264593). Invitae Evidence Modeling of protein sequence and biophysical properties (such as structural, functional, and spatial information, amino acid conservation, physicochemical variation, residue mobility, and thermodynamic stability) indicates that this missense variant is expected to disrupt MYH7 protein function with a positive predictive value of 95%. In summary, the available evidence is currently insufficient to determine the role of this variant in disease. Therefore, it has been classified as a Variant of Uncertain Significance.

Color Diagnostics, LLC DBA Color Health
Classification: Uncertain significance for Cardiomyopathy. Last evaluated: 2025-01-27. Review status: criteria provided, single submitter. Criteria: ACMG Guidelines, 2015. Collection method: clinical testing. Allele origin: germline.
Comment: This missense variant replaces alanine with valine at codon 445 of the MYH7 protein. Computational prediction suggests that this variant may not impact protein structure and function. To our knowledge, functional studies have not been reported for this variant. This variant has not been reported in individuals affected with MYH7-related disorders in the literature. This variant has been identified in 9/251494 chromosomes in the general population by the Genome Aggregation Database (gnomAD). The available evidence is insufficient to determine the role of this variant in disease conclusively. Therefore, this variant is classified as a Variant of Uncertain Significance.

All of Us Research Program, National Institutes of Health
Classification: Uncertain significance for Cardiomyopathy. Last evaluated: 2024-06-11. Review status: criteria provided, single submitter. Criteria: ACMG Guidelines, 2015. Collection method: clinical testing. Allele origin: germline. Inheritance: Autosomal dominant inheritance. Observed: 13 variant alleles, 13 heterozygotes.
Comment: This missense variant replaces alanine with valine at codon 445 of the MYH7 protein. Computational prediction suggests that this variant may not impact protein structure and function (internally defined REVEL score threshold <= 0.5, PMID: 27666373). To our knowledge, functional studies have not been reported for this variant. This variant has not been reported in individuals affected with MYH7-related disorders in the literature. This variant has been identified in 9/251494 chromosomes in the general population by the Genome Aggregation Database (gnomAD). The available evidence is insufficient to determine the role of this variant in disease conclusively. Therefore, this variant is classified as a Variant of Uncertain Significance.

This study involves interpretation of variants in research participants for the purpose of population health screening. Participant phenotype was not available at the time of variant classification. Additional details can be found in publication PMID: 35346344, PMCID: PMC8962531

GeneDx
Classification: Uncertain significance. Last evaluated: 2023-06-13. Review status: criteria provided, single submitter. Criteria: GeneDx Variant Classification Process June 2021. Collection method: clinical testing. Allele origin: germline. Affected: yes.
Comment: In silico analysis supports that this missense variant does not alter protein structure/function; Has not been previously published as pathogenic or benign to our knowledge; This variant is associated with the following publications: (PMID: 27532257, 29300372)

CHEO Genetics Diagnostic Laboratory, Children's Hospital of Eastern Ontario
Classification: Uncertain significance for Cardiomyopathy. Last evaluated: 2023-01-19. Review status: criteria provided, single submitter. Criteria: ACMG Guidelines, 2015. Collection method: clinical testing. Allele origin: germline.

Fulgent Genetics
Classification: Uncertain significance for MYH7-related skeletal myopathy; Myosin storage myopathy; Hypertrophic cardiomyopathy 1; Myopathy, myosin storage, autosomal recessive; Congenital myopathy 4A, autosomal dominant; Dilated cardiomyopathy 1S. Last evaluated: 2021-10-27. Review status: criteria provided, single submitter. Criteria: ACMG Guidelines, 2015. Collection method: clinical testing. Allele origin: unknown.

Revvity Omics, Revvity
Classification: Uncertain significance. Last evaluated: 2019-03-29. Review status: criteria provided, single submitter. Criteria: ACMG Guidelines, 2015. Collection method: clinical testing. Allele origin: germline.

Illumina Laboratory Services, Illumina
Classification: Uncertain significance for Dilated cardiomyopathy 1S. Last evaluated: 2017-04-28. Review status: criteria provided, single submitter. Criteria: ICSL Variant Classification Criteria 13 December 2019. Collection method: clinical testing. Allele origin: germline.
Comment: This variant was observed as part of a predisposition screen in an ostensibly healthy population. A literature search was performed for the gene, cDNA change, and amino acid change (where applicable). Publications were found based on this search. However, the evidence from the literature, in combination with allele frequency data from public databases where available, was not sufficient to rule this variant in or out of causing disease. Therefore, this variant is classified as a variant of unknown significance.

Illumina Laboratory Services, Illumina
Classification: Uncertain significance for MYH7-related skeletal myopathy. Last evaluated: 2017-04-28. Review status: criteria provided, single submitter. Criteria: ICSL Variant Classification Criteria 13 December 2019. Collection method: clinical testing. Allele origin: germline.
Comment: the same text as in the submission from Illumina Laboratory Services, Illumina above.

Illumina Laboratory Services, Illumina
Classification: Uncertain significance for Hypertrophic cardiomyopathy 1. Last evaluated: 2017-04-28. Review status: criteria provided, single submitter. Criteria: ICSL Variant Classification Criteria 13 December 2019. Collection method: clinical testing. Allele origin: germline.
Comment: the same text as in the submission from Illumina Laboratory Services, Illumina above.

Illumina Laboratory Services, Illumina
Classification: Uncertain significance for Myosin storage myopathy. Last evaluated: 2017-04-28. Review status: criteria provided, single submitter. Criteria: ICSL Variant Classification Criteria 13 December 2019. Collection method: clinical testing. Allele origin: germline.
Comment: the same text as in the submission from Illumina Laboratory Services, Illumina above.

Literature cited by the submitters: PubMed 22958901 (cited by Illumina Laboratory Services, Illumina).